The following is an entry in ClinVar:

NM_006440.5(TXNRD2):c.1086+4C>T

Gene: TXNRD2 (thioredoxin reductase 2; minus strand). Cytogenetic location: 22q11.21.
Variant type: single nucleotide variant.
Coding change: c.1086+4C>T on transcript NM_006440.5 (MANE Select); 4 bases into the intron after coding-DNA position 1086, C replaced by T.
Molecular consequence: intron variant.
Genome position (GRCh38, 1-based): chr22:19,883,321, G>A on the plus strand (C>T on the coding strand, the complement: TXNRD2 is on the minus strand). VCF-style: chr22-19883321-G-A. GRCh37 (hg19) VCF-style: chr22-19870844-G-A.
Other names: c.1083+4C>T (NM_001352300.2); c.798+4C>T (NM_001352302.2); c.996+4C>T (NM_001352301.2).
Identifiers: ClinVar variation 1442520 (VCV001442520.8), dbSNP rs753380240, ClinGen allele CA10103840.

ClinVar aggregate classification (germline): Uncertain significance. Review status: criteria provided, multiple submitters, no conflicts (2 of 4 stars). 2 submissions from 2 submitters: Uncertain significance (2). Last evaluated 2024-12-22.

Conditions:
Primary dilated cardiomyopathy (DCM). Also called: Dilated Cardiomyopathy. Identifiers: Orphanet 217604, MedGen C0007193, MeSH D002311, MONDO:0005021, HP:0001644. Inheritance: Various modes of inheritance.
Cardiovascular phenotype. Identifiers: MedGen CN230736.

Allele frequency attached by ClinVar (database versions not stated): gnomAD 0.00001; TOPMed 0.00001; ExAC 0.00003; gnomAD exomes 0.00003.
gnomAD v4.1: 48 of 1,613,028 alleles (0.003%); highest among the groups gnomAD compares: South Asian, 0.011%; no homozygotes.

Submissions (2):

Labcorp Genetics (formerly Invitae), Labcorp
Classification: Uncertain significance for Primary dilated cardiomyopathy. Last evaluated: 2024-12-22. Review status: criteria provided, single submitter. Criteria: Invitae Variant Classification Sherloc (09022015). Collection method: clinical testing. Allele origin: germline.
Comment: This sequence change falls in intron 12 of the TXNRD2 gene. It does not directly change the encoded amino acid sequence of the TXNRD2 protein. It affects a nucleotide within the consensus splice site. This variant is present in population databases (rs753380240, gnomAD 0.01%). This variant has not been reported in the literature in individuals affected with TXNRD2-related conditions. ClinVar contains an entry for this variant (Variation ID: 1442520). Variants that disrupt the consensus splice site are a relatively common cause of aberrant splicing (PMID: 17576681, 9536098). Algorithms developed to predict the effect of sequence changes on RNA splicing suggest that this variant is not likely to affect RNA splicing. In summary, the available evidence is currently insufficient to determine the role of this variant in disease. Therefore, it has been classified as a Variant of Uncertain Significance.

Ambry Genetics
Classification: Uncertain significance for Cardiovascular phenotype. Last evaluated: 2022-12-28. Review status: criteria provided, single submitter. Criteria: Ambry Variant Classification Scheme 2023. Collection method: clinical testing. Allele origin: germline.
Comment: The c.1086+4C>T intronic variant results from a C to T substitution 4 nucleotides after coding exon 12 in the TXNRD2 gene. This nucleotide position is poorly conserved in available vertebrate species. In silico splice site analysis predicts that this alteration will not have any significant effect on splicing. The evidence for this gene-disease relationship is limited; therefore, the clinical significance of this alteration is unclear.

Literature cited by the submitters: PubMed 17576681 (cited by Labcorp Genetics (formerly Invitae), Labcorp); PubMed 9536098 (cited by Labcorp Genetics (formerly Invitae), Labcorp).